The following is an entry in ClinVar:

NM_000834.5(GRIN2B):c.2266G>A (p.Val756Ile)

Gene: GRIN2B (glutamate ionotropic receptor NMDA type subunit 2B; minus strand). Cytogenetic location: 12p13.1.
Variant type: single nucleotide variant.
Coding change: c.2266G>A on transcript NM_000834.5 (MANE Select); coding-DNA position 2266, G replaced by A.
Protein change: p.Val756Ile; replaces valine 756 with isoleucine.
Molecular consequence: missense variant.
Genome position (GRCh38, 1-based): chr12:13,569,923, C>T on the plus strand (G>A on the coding strand, the complement: GRIN2B is on the minus strand). VCF-style: chr12-13569923-C-T. GRCh37 (hg19) VCF-style: chr12-13722857-C-T.
Other names: c.2266G>A, p.Val756Ile (NM_001413992.1); short protein forms V756I.
Identifiers: ClinVar variation 4783402 (VCV004783402.1).
Genomic context (GRCh38, chr12:13,569,923, plus strand): 5'-CCTGGCGCTTCCACCCAGAATCTTTTTGGATGGCAATGCCATAGCCAGTGGAAGCAAAGA[C>T]CTTCCCACTGCCAATGGTCACCAGCTTGCAGCCTTCATCTCTGCCTGCCATATAGTTCAG-3'
Protein context (NP_000825.2, residues 746-766): CKLVTIGSGK[Val756Ile]FASTGYGIAI

ClinVar aggregate classification (germline): Uncertain significance (1 of 4 stars; one submission).

Conditions:
Developmental and epileptic encephalopathy, 27 (DEE27). Also called: Epileptic encephalopathy, early infantile, 27; GRIN2B-Related Neurodevelopmental Disorder. Identifiers: Orphanet 3451, MedGen C4015316, MONDO:0014505, OMIM 616139.
Intellectual developmental disorder, autosomal dominant 6, with or without seizures. Also called: Intellectual disability, autosomal dominant 6; GRIN2B-related developmental delay, intellectual disability and autism spectrum disorder. Identifiers: Orphanet 589547, MedGen C3151411, MONDO:0013509, OMIM 613970.

Submission:

Labcorp Genetics (formerly Invitae), Labcorp
Classification: Uncertain significance for Developmental and epileptic encephalopathy, 27; Intellectual developmental disorder, autosomal dominant 6, with or without seizures. Last evaluated: 2026-01-21. Review status: criteria provided, single submitter. Criteria: Invitae Variant Classification Sherloc (09022015). Collection method: clinical testing. Allele origin: germline.
Comment: This sequence change replaces valine, which is neutral and non-polar, with isoleucine, which is neutral and non-polar, at codon 756 of the GRIN2B protein (p.Val756Ile). This variant is not present in population databases (gnomAD no frequency). This variant has not been reported in the literature in individuals affected with GRIN2B-related conditions. Invitae Evidence Modeling of protein sequence and biophysical properties (such as structural, functional, and spatial information, amino acid conservation, physicochemical variation, residue mobility, and thermodynamic stability) indicates that this missense variant is not expected to disrupt GRIN2B protein function with a negative predictive value of 80%. In summary, the available evidence is currently insufficient to determine the role of this variant in disease. Therefore, it has been classified as a Variant of Uncertain Significance.